The following is an entry in ClinVar:

ClinVar aggregate classification (germline): Conflicting classifications of pathogenicity. Review status: criteria provided, conflicting classifications (1 of 4 stars). 2 submissions from 2 submitters: Uncertain significance (1); Likely benign (1). Last evaluated 2025-01-24.

Conditions:
Inborn genetic diseases. Identifiers: MedGen C0950123, MeSH D030342.
Charcot-Marie-Tooth disease type 2. Also called: Charcot-Marie-Tooth type 2. Identifiers: Orphanet 64746, MedGen C0270914, MONDO:0018993.

Allele frequency attached by ClinVar (database versions not stated): gnomAD 0.00001; TOPMed below 0.00001; ExAC 0.00001; gnomAD exomes 0.00001.
gnomAD v4.1: 5 of 1,612,840 alleles (0.00031%); highest among the groups gnomAD compares: Non-Finnish European, 0.00042%; no homozygotes.

Submissions (2):

Ambry Genetics
Classification: Likely benign for Inborn genetic diseases. Last evaluated: 2025-01-24. Review status: criteria provided, single submitter. Criteria: Ambry Variant Classification Scheme 2023. Collection method: clinical testing. Allele origin: germline.

Labcorp Genetics (formerly Invitae), Labcorp
Classification: Uncertain significance for Charcot-Marie-Tooth disease type 2. Last evaluated: 2023-11-13. Review status: criteria provided, single submitter. Criteria: Invitae Variant Classification Sherloc (09022015). Collection method: clinical testing. Allele origin: germline.
Comment: This sequence change replaces threonine, which is neutral and polar, with alanine, which is neutral and non-polar, at codon 502 of the AARS protein (p.Thr502Ala). This variant is present in population databases (rs758003106, gnomAD 0.002%). This variant has not been reported in the literature in individuals affected with AARS-related conditions. ClinVar contains an entry for this variant (Variation ID: 1023436). Advanced modeling of protein sequence and biophysical properties (such as structural, functional, and spatial information, amino acid conservation, physicochemical variation, residue mobility, and thermodynamic stability) performed at Invitae indicates that this missense variant is not expected to disrupt AARS protein function with a negative predictive value of 95%. In summary, the available evidence is currently insufficient to determine the role of this variant in disease. Therefore, it has been classified as a Variant of Uncertain Significance.

NM_001605.3(AARS1):c.1504A>G (p.Thr502Ala)

Gene: AARS1 (alanyl-tRNA synthetase 1; minus strand). Cytogenetic location: 16q22.1.
Variant type: single nucleotide variant.
Coding change: c.1504A>G on transcript NM_001605.3 (MANE Select); coding-DNA position 1504, A replaced by G.
Protein change: p.Thr502Ala; replaces threonine 502 with alanine.
Molecular consequence: missense variant.
Genome position (GRCh38, 1-based): chr16:70,262,513, T>C on the plus strand (A>G on the coding strand, the complement: AARS1 is on the minus strand). VCF-style: chr16-70262513-T-C. GRCh37 (hg19) VCF-style: chr16-70296416-T-C.
Other names: c.1504A>G (NM_001605.2); short protein forms T502A.
Identifiers: ClinVar variation 1023436 (VCV001023436.9), dbSNP rs758003106, ClinGen allele CA8140773.
Genomic context (GRCh38, chr16:70,262,513, plus strand): 5'-CTGTGGACACCTCTTCCACGAACATCTTCTCCCTGCGCAGAGCCATCACCGTAGCCACTG[T>C]GTTCTCAAATACTGCTCAAGGGAAATGCATAGAAAGGGGACAGTGGGGTCAATGACCTTT-3'
Protein context (NP_001596.2, residues 492-512): DSSGSYVFEN[Thr502Ala]VATVMALRRE